The following is an entry in ClinVar:

ClinVar aggregate classification (germline): Uncertain significance (1 of 4 stars; one submission).

Conditions:
Pulmonary fibrosis and/or bone marrow failure, Telomere-related, 3. Also called: PULMONARY FIBROSIS AND/OR BONE MARROW FAILURE SYNDROME, TELOMERE-RELATED, 3. Identifiers: Orphanet 2032, MedGen C4225346, MONDO:0014613, OMIM 616373.
Dyskeratosis congenita, autosomal recessive 5 (DKCB5). Identifiers: MedGen C3554656, MONDO:0014076, OMIM 615190.

gnomAD v4.1: 11 of 1,612,652 alleles (0.00068%); highest among the groups gnomAD compares: East Asian, 0.013%; no homozygotes.

Submission:

Labcorp Genetics (formerly Invitae), Labcorp
Classification: Uncertain significance for Dyskeratosis congenita, autosomal recessive 5; Pulmonary fibrosis and/or bone marrow failure, Telomere-related, 3. Last evaluated: 2025-09-21. Review status: criteria provided, single submitter. Criteria: Invitae Variant Classification Sherloc (09022015). Collection method: clinical testing. Allele origin: germline.
Comment: This sequence change replaces proline, which is neutral and non-polar, with arginine, which is basic and polar, at codon 937 of the RTEL1 protein (p.Pro937Arg). This variant is present in population databases (rs140986557, gnomAD 0.02%). This variant has not been reported in the literature in individuals affected with RTEL1-related conditions. ClinVar contains an entry for this variant (Variation ID: 2174289). An algorithm developed to predict the effect of missense changes on protein structure and function (PolyPhen-2) suggests that this variant is likely to be disruptive. In summary, the available evidence is currently insufficient to determine the role of this variant in disease. Therefore, it has been classified as a Variant of Uncertain Significance.

NM_001283009.2(RTEL1):c.2810C>G (p.Pro937Arg)

Genes: RTEL1 (regulator of telomere elongation helicase 1; plus strand), RTEL1-TNFRSF6B (RTEL1-TNFRSF6B readthrough (NMD candidate); plus strand). Cytogenetic location: 20q13.33.
Variant type: single nucleotide variant.
Coding change: c.2810C>G on transcript NM_001283009.2 (MANE Select); coding-DNA position 2810, C replaced by G.
Protein change: p.Pro937Arg; replaces proline 937 with arginine.
Molecular consequence: missense variant. On other transcripts: non-coding transcript variant (1).
Genome position (GRCh38, 1-based): chr20:63,692,962, C>G. VCF-style: chr20-63692962-C-G. GRCh37 (hg19) VCF-style: chr20-62324315-C-G.
Other names: c.2141C>G, p.Pro714Arg (NM_001283010.1); c.2810C>G, p.Pro937Arg (NM_016434.4); c.2882C>G, p.Pro961Arg (NM_032957.5); short protein forms P937R, P714R, P961R.
Identifiers: ClinVar variation 2174289 (VCV002174289.2), dbSNP rs140986557, ClinGen allele CA9965552.
Genomic context (GRCh38, chr20:63,692,962, plus strand): 5'-AGGCCCTGCAGGACTACAAGGGTTCCGATGACTTCGCCGCCCTGGCCGCCTGTCTCGGCC[C>G]CCTCTTTGCTGAGGACCCCAAGAAGCACAACCTGCTCCAAGGTGCCCTGGCTTGCAGAGG-3'
Protein context (NP_001269938.1, residues 927-947): DFAALAACLG[Pro937Arg]LFAEDPKKHN